The following continues an entry in ClinVar:

NM_003620.4(PPM1D):c.1654C>T (p.Arg552Ter)

Gene: PPM1D. ClinVar aggregate classification (germline): Conflicting classifications of pathogenicity. Pathogenic (3); Likely pathogenic (4); Uncertain significance (3). ClinVar aggregate classification (somatic clinical impact): Tier II - Potential.

Submissions 7 to 12 of 12:

Labcorp Genetics (formerly Invitae), Labcorp
Classification: Uncertain significance. Last evaluated: 2024-10-13. Review status: criteria provided, single submitter. Criteria: Invitae Variant Classification Sherloc (09022015). Collection method: clinical testing. Allele origin: germline.
Comment: This sequence change creates a premature translational stop signal (p.Arg552*) in the PPM1D gene. While this is not anticipated to result in nonsense mediated decay, it is expected to disrupt the last 54 amino acid(s) of the PPM1D protein. The frequency data for this variant in the population databases is considered unreliable, as metrics indicate poor data quality at this position in the gnomAD database. This premature translational stop signal has been observed in individual(s) with clinical features of PPM1D-related conditions and/or developmental delay and/or autism (PMID: 33057194, 35982159, 37183572). This variant is also known as 17:58740749C>T. ClinVar contains an entry for this variant (Variation ID: 620148). Algorithms developed to predict the effect of variants on gene product structure and function are not available or were not evaluated for this variant. Experimental studies are conflicting or provide insufficient evidence to determine the effect of this variant on PPM1D function (PMID: 23907125, 30388424). In summary, the available evidence is currently insufficient to determine the role of this variant in disease. Therefore, it has been classified as a Variant of Uncertain Significance.

Institute of Human Genetics Munich, TUM University Hospital
Classification: Pathogenic for Intellectual developmental disorder with gastrointestinal difficulties and high pain threshold. Last evaluated: 2023-03-09. Review status: criteria provided, single submitter. Criteria: Classification criteria August 2017. Collection method: clinical testing. Allele origin: germline. Inheritance: Autosomal dominant inheritance. Affected: yes. Observed: 1 variant allele.

Institute for Genomic Medicine (IGM) Clinical Laboratory, Nationwide Children's Hospital
Classification: Tier II - Potential for Medulloblastoma WNT activated. Assertion type: diagnostic. Clinical significance: supports diagnosis. Last evaluated: 2023-01-25. Review status: criteria provided, single submitter. Criteria: AMP/ASCO/CAP Guidelines, 2017. Collection method: clinical testing. Allele origin: somatic. Affected: yes.
Comment: Variant has Tier II (potential) clinical significance as a diagnostic inclusion criterion in medulloblastoma WNT activated, based on the following evidence: 1) Documented in one or more cancer databases (e.g., St. Jude Pecan, COSMIC, CIViC, OncoKB). 2) Information in the literature supports potential biologic effect of variant (PMIDs: 23649806, 24880341). 3) Assists in diagnosis alone or along with other biomarkers based on small studies or few case reports (Evidence Level D; PMIDs: 17932621, 27713908).

MGZ Medical Genetics Center
Classification: Pathogenic for Intellectual developmental disorder with gastrointestinal difficulties and high pain threshold. Last evaluated: 2022-09-05. Review status: criteria provided, single submitter. Criteria: ACMG Guidelines, 2015. Collection method: clinical testing. Allele origin: germline. Affected: yes. Observed: 1 variant allele.
Comment: ACMG criteria applied: PVS1, PS2, PM2_SUP

Blueprint Genetics
Classification: Uncertain significance. Last evaluated: 2020-07-14. Review status: criteria provided, single submitter. Criteria: ACMG Guidelines, 2015. Collection method: clinical testing. Allele origin: germline.

Biotechnology, Institute of Science, Nirma University
Classification: Uncertain significance for Lung carcinoma. Last evaluated: 2022-04-03. Review status: no assertion criteria provided. Collection method: clinical testing. Allele origin: germline. Affected: yes. Observed: 1 variant allele, 1 heterozygote. Not counted in ClinVar's aggregate classification.
Comment: Variant of uncertain significance (VUS) classification is justified because of lack of data of PPM1D genetic variants playing role in lung cancer. A heterozygous nonsense variation in exon 6 of the PPM1D gene (chr17:g.60663388C>T; Depth: 148x) that results in a stop codon and premature truncation of the protein at codon 552 (p.Arg552Ter; ENST00000305921.8) was detected. The variant has been previously reported for ovarian and breast cancers and has been classified as likely pathogenic, but due to the lack of data on lung cancers we have classified it as VUS. The minor allelic frequency (MAF) is 0.003% as per the GnomAD database. This variant has been reported in ovarian and breast cancer (Akbari_2014, Amuzu_2018, Li_2018). But reports on the role of this genetic variant is less understood. However an association study shows the likely possible role of p.Arg552Ter in lung cancer

Literature cited by the submitters: PubMed 28343630 (cited by 3 submitters); PubMed 37183572 (cited by 4 submitters); PubMed 29752822 (cited by Women's Health and Genetics/Laboratory Corporation of America, LabCorp and Biotechnology, Institute of Science, Nirma University); PubMed 24262437 (cited by Women's Health and Genetics/Laboratory Corporation of America, LabCorp and Biotechnology, Institute of Science, Nirma University); PubMed 23907125 (cited by Women's Health and Genetics/Laboratory Corporation of America, LabCorp and Labcorp Genetics (formerly Invitae), Labcorp); PubMed 30388424 (cited by 3 submitters); PubMed 28852847 (cited by Women's Health and Genetics/Laboratory Corporation of America, LabCorp and Biotechnology, Institute of Science, Nirma University); PubMed 30216591 (cited by Women's Health and Genetics/Laboratory Corporation of America, LabCorp); PubMed 33057194 (cited by 3 submitters); PubMed 30850729 (cited by Women's Health and Genetics/Laboratory Corporation of America, LabCorp); PubMed 34312540 (cited by Variantyx, Inc.); PubMed 35982159 (cited by Variantyx, Inc. and Labcorp Genetics (formerly Invitae), Labcorp); PubMed 37709843 (cited by Variantyx, Inc.); PubMed 23649806 (cited by Institute for Genomic Medicine (IGM) Clinical Laboratory, Nationwide Children's Hospital); PubMed 24880341 (cited by Institute for Genomic Medicine (IGM) Clinical Laboratory, Nationwide Children's Hospital); PubMed 17932621 (cited by Institute for Genomic Medicine (IGM) Clinical Laboratory, Nationwide Children's Hospital); PubMed 27713908 (cited by Institute for Genomic Medicine (IGM) Clinical Laboratory, Nationwide Children's Hospital); PubMed 37378944 (cited by Biotechnology, Institute of Science, Nirma University).